The following is an entry in ClinVar:

NM_000535.7(PMS2):c.-13G>A

Gene: PMS2 (PMS1 homolog 2, mismatch repair system component; minus strand). Cytogenetic location: 7p22.1.
Variant type: single nucleotide variant.
Coding change: c.-13G>A on transcript NM_000535.7 (MANE Select); 13 bases upstream of the start codon, G replaced by A.
Molecular consequence: 5 prime UTR variant. On other transcripts: non-coding transcript variant (1).
Genome position (GRCh38, 1-based): chr7:6,009,032, C>T on the plus strand (G>A on the coding strand, the complement: PMS2 is on the minus strand). VCF-style: chr7-6009032-C-T. GRCh37 (hg19) VCF-style: chr7-6048663-C-T.
Other names: c.-413G>A (NM_001018040.1, NM_001322003.2, NM_001322013.2 and 5 more transcripts); c.-278G>A (NM_001322004.2, NM_001322010.2, NM_001406911.1); c.-608G>A (NM_001322005.2); c.-13G>A (NM_001322006.2, NM_001322014.2, NM_001406866.1 and 11 more transcripts); c.-228G>A (NM_001322007.2, NM_001406876.1, NM_001406896.1 and 2 more transcripts); c.-88G>A (NM_001322008.2); c.-603G>A (NM_001322009.2, NM_001406897.1); c.-897G>A (NM_001322011.2); and 19 more.
Identifiers: ClinVar variation 2774158 (VCV002774158.2), dbSNP rs747488315, ClinGen allele CA2681679762.

ClinVar aggregate classification (germline): Uncertain significance (1 of 4 stars; one submission).

Conditions:
Hereditary cancer-predisposing syndrome. Also called: Hereditary neoplastic syndrome; Hereditary Cancer Syndrome; Neoplastic Syndromes, Hereditary; Tumor predisposition. Identifiers: Orphanet 140162, MedGen C0027672, MeSH D009386, MONDO:0015356.

gnomAD v4.1: 1 of 1,612,424 alleles (0.000062%); no homozygotes.

Submission:

Color Diagnostics, LLC DBA Color Health
Classification: Uncertain significance for Hereditary cancer-predisposing syndrome. Last evaluated: 2022-11-21. Review status: criteria provided, single submitter. Criteria: ACMG Guidelines, 2015. Collection method: clinical testing. Allele origin: germline.
Comment: This variant causes a G to A nucleotide substitution at the -13 position in the 5' untranslated region in the PMS2 gene. Splice site prediction tools suggest that this variant may not impact RNA splicing. To our knowledge, functional studies have not been reported for this variant. This variant has not been reported in individuals affected with PMS2-related disorders in the literature. This variant has not been identified in the general population by the Genome Aggregation Database (gnomAD). The available evidence is insufficient to determine the role of this variant in disease conclusively. Therefore, this variant is classified as a Variant of Uncertain Significance.